The following is an entry in ClinVar:

ClinVar aggregate classification (germline): Uncertain significance. Review status: criteria provided, multiple submitters, no conflicts (2 of 4 stars). 2 submissions from 2 submitters: Uncertain significance (2). Last evaluated 2024-02-08.

Conditions:
Tetralogy of Fallot (TOF). Identifiers: Orphanet 3303, MedGen C0039685, MONDO:0008542, OMIM 187500, HP:0001636.
Charcot-Marie-Tooth disease, axonal, Type 2HH. Also called: CHARCOT-MARIE-TOOTH NEUROPATHY, TYPE 2HH. Identifiers: MedGen C5562003, MONDO:0030458, OMIM 619574.
Deafness, congenital heart defects, and posterior embryotoxon (DCHE). Identifiers: MedGen C1866053, MONDO:0060713, OMIM 617992.
Alagille syndrome due to a JAG1 point mutation. Also called: HEPATIC DUCTULAR HYPOPLASIA, SYNDROMATIC; Alagille Syndrome 1; JAG1-Related Alagille Syndrome. Identifiers: Orphanet 261619, Orphanet 52, MedGen C1956125, MONDO:0016862, OMIM 118450.

Submissions (2):

Labcorp Genetics (formerly Invitae), Labcorp
Classification: Uncertain significance for Alagille syndrome due to a JAG1 point mutation. Last evaluated: 2024-02-08. Review status: criteria provided, single submitter. Criteria: Invitae Variant Classification Sherloc (09022015). Collection method: clinical testing. Allele origin: germline.
Comment: This sequence change replaces lysine, which is basic and polar, with threonine, which is neutral and polar, at codon 771 of the JAG1 protein (p.Lys771Thr). This variant is not present in population databases (gnomAD no frequency). This variant has not been reported in the literature in individuals affected with JAG1-related conditions. ClinVar contains an entry for this variant (Variation ID: 1498899). Advanced modeling of protein sequence and biophysical properties (such as structural, functional, and spatial information, amino acid conservation, physicochemical variation, residue mobility, and thermodynamic stability) has been performed at Invitae for this missense variant, however the output from this modeling did not meet the statistical confidence thresholds required to predict the impact of this variant on JAG1 protein function. In summary, the available evidence is currently insufficient to determine the role of this variant in disease. Therefore, it has been classified as a Variant of Uncertain Significance.

Fulgent Genetics
Classification: Uncertain significance for Alagille syndrome due to a JAG1 point mutation; Tetralogy of Fallot; Deafness, congenital heart defects, and posterior embryotoxon; Charcot-Marie-Tooth disease, axonal, Type 2HH. Last evaluated: 2022-04-05. Review status: criteria provided, single submitter. Criteria: ACMG Guidelines, 2015. Collection method: clinical testing. Allele origin: unknown.

NM_000214.3(JAG1):c.2312A>C (p.Lys771Thr)

Gene: JAG1 (jagged canonical Notch ligand 1; minus strand). Cytogenetic location: 20p12.2.
Variant type: single nucleotide variant.
Coding change: c.2312A>C on transcript NM_000214.3 (MANE Select); coding-DNA position 2312, A replaced by C.
Protein change: p.Lys771Thr; replaces lysine 771 with threonine.
Molecular consequence: missense variant.
Genome position (GRCh38, 1-based): chr20:10,644,895, T>G on the plus strand (A>C on the coding strand, the complement: JAG1 is on the minus strand). VCF-style: chr20-10644895-T-G. GRCh37 (hg19) VCF-style: chr20-10625543-T-G.
Other names: short protein forms K771T.
Identifiers: ClinVar variation 1498899 (VCV001498899.9), dbSNP rs149949294, ClinGen allele CA408234905.
Genomic context (GRCh38, chr20:10,644,895, plus strand): 5'-GGAGAGTTCAAGGGGGGAGGACACTCACTCTGAGCACAGATGGGCCCCTCCCAGCCTTCC[T>G]TGCAGACGCACGTAAAGGACTCGCCGTTGACCACACATGTGCCCCCATTATGGCAGGGGT-3'
Protein context (NP_000205.1, residues 761-781): VNGESFTCVC[Lys771Thr]EGWEGPICAQ